The following is an entry in ClinVar:

NM_000548.5(TSC2):c.3609A>G (p.Thr1203=)

Gene: TSC2 (TSC complex subunit 2; plus strand). Cytogenetic location: 16p13.3.
Variant type: single nucleotide variant.
Coding change: c.3609A>G on transcript NM_000548.5 (MANE Select); coding-DNA position 3609, A replaced by G.
Protein change: p.Thr1203=; no amino-acid change (threonine 1203 retained).
Molecular consequence: synonymous variant.
Genome position (GRCh38, 1-based): chr16:2,080,376, A>G. VCF-style: chr16-2080376-A-G. GRCh37 (hg19) VCF-style: chr16-2130377-A-G.
Other names: c.3477A>G, p.Thr1159= (NM_001077183.3, NM_001370404.1); c.3609A>G, p.Thr1203= (NM_001114382.3); c.3369A>G, p.Thr1123= (NM_001318827.2); c.3333A>G, p.Thr1111= (NM_001318829.2); c.2877A>G, p.Thr959= (NM_001318831.2); c.3510A>G, p.Thr1170= (NM_001318832.2); c.3480A>G, p.Thr1160= (NM_001363528.2, NM_001370405.1, NM_021055.3).
Identifiers: ClinVar variation 566975 (VCV000566975.9), dbSNP rs1567505082, ClinGen allele CA493043219.

ClinVar aggregate classification (germline): Uncertain significance (1 of 4 stars; one submission).

Conditions:
Tuberous sclerosis 2 (TSC2). Identifiers: Orphanet 805, MedGen C1860707, MONDO:0013199, OMIM 613254.

Allele frequency attached by ClinVar (database versions not stated): gnomAD exomes below 0.00001.
gnomAD v4.1: 1 of 1,611,358 alleles (0.000062%); highest among the groups gnomAD compares: Non-Finnish European, 0.000085%; no homozygotes.

Submission:

Labcorp Genetics (formerly Invitae), Labcorp
Classification: Uncertain significance for Tuberous sclerosis 2. Last evaluated: 2023-10-30. Review status: criteria provided, single submitter. Criteria: Invitae Variant Classification Sherloc (09022015). Collection method: clinical testing. Allele origin: germline.
Comment: This sequence change affects codon 1203 of the TSC2 mRNA. It is a 'silent' change, meaning that it does not change the encoded amino acid sequence of the TSC2 protein. This variant is not present in population databases (gnomAD no frequency). This variant has not been reported in the literature in individuals affected with TSC2-related conditions. ClinVar contains an entry for this variant (Variation ID: 566975). Algorithms developed to predict the effect of sequence changes on RNA splicing suggest that this variant may disrupt the consensus splice site. In summary, the available evidence is currently insufficient to determine the role of this variant in disease. Therefore, it has been classified as a Variant of Uncertain Significance.